The following is an entry in ClinVar:

ClinVar aggregate classification (germline): Likely benign. Review status: criteria provided, multiple submitters, no conflicts (2 of 4 stars). 2 submissions from 2 submitters: Likely benign (2). Last evaluated 2024-11-25.

Conditions:
Juvenile polyposis syndrome (JPS). Identifiers: Orphanet 2929, MedGen C0345893, MONDO:0017380, OMIM 174900.

Allele frequency attached by ClinVar (database versions not stated): gnomAD exomes below 0.00001 and 0.00001; TOPMed below 0.00001.
gnomAD v4.1: 4 of 1,612,404 alleles (0.00025%); highest among the groups gnomAD compares: Non-Finnish European, 0.00017%; no homozygotes.

Submissions (2):

Labcorp Genetics (formerly Invitae), Labcorp
Classification: Likely benign for Juvenile polyposis syndrome. Last evaluated: 2024-11-25. Review status: criteria provided, single submitter. Criteria: Invitae Variant Classification Sherloc (09022015). Collection method: clinical testing. Allele origin: germline.

Myriad Genetics, Inc.
Classification: Likely benign for Juvenile polyposis syndrome. Last evaluated: 2024-08-01. Review status: criteria provided, single submitter. Criteria: Myriad Autosomal Dominant, Autosomal Recessive and X-Linked Classification Criteria (2023). Collection method: clinical testing. Allele origin: unknown.
Comment: This variant is considered likely benign. This variant is intronic and is not expected to impact mRNA splicing.

NM_004329.3(BMPR1A):c.531-16T>C

Gene: BMPR1A (bone morphogenetic protein receptor type 1A; plus strand). Cytogenetic location: 10q23.2.
Variant type: single nucleotide variant.
Coding change: c.531-16T>C on transcript NM_004329.3 (MANE Select); 16 bases into the intron before coding-DNA position 531, T replaced by C.
Molecular consequence: intron variant.
Genome position (GRCh38, 1-based): chr10:86,912,224, T>C. VCF-style: chr10-86912224-T-C. GRCh37 (hg19) VCF-style: chr10-88671981-T-C.
Identifiers: ClinVar variation 1458853 (VCV001458853.9), dbSNP rs1375337533, ClinGen allele CA594896917.